The following is an entry in ClinVar:

NM_001330288.2(SMARCC2):c.453A>C (p.Lys151Asn)

Gene: SMARCC2 (SWI/SNF related BAF chromatin remodeling complex subunit C2; minus strand). Cytogenetic location: 12q13.2.
Variant type: single nucleotide variant.
Coding change: c.453A>C on transcript NM_001330288.2 (MANE Select); coding-DNA position 453, A replaced by C.
Protein change: p.Lys151Asn; replaces lysine 151 with asparagine.
Molecular consequence: missense variant.
Genome position (GRCh38, 1-based): chr12:56,184,883, T>G on the plus strand (A>C on the coding strand, the complement: SMARCC2 is on the minus strand). VCF-style: chr12-56184883-T-G. GRCh37 (hg19) VCF-style: chr12-56578667-T-G.
Other names: c.453A>C, p.Lys151Asn (NM_001130420.3, NM_003075.5, NM_139067.4); short protein forms K151N.
Identifiers: ClinVar variation 2505872 (VCV002505872.1), dbSNP rs2540959172, ClinGen allele CA385356445.
Genomic context (GRCh38, chr12:56,184,883, plus strand): 5'-TCTCCTCACCAGACCATTTACCTGGTGTCTCTTGATAATGTCCTTTAATTTCCCTAGTAG[T>G]TTGGGCTCAATTTCTGGGCACAGAAAAATGTTAGGTCGAGACAGGCAATTATTCTGTGGA-3'
Protein context (NP_001317217.1, residues 141-161): NIFLCPEIEP[Lys151Asn]LLGKLKDIIK

ClinVar aggregate classification (germline): Uncertain significance (1 of 4 stars; one submission).

Allele frequency attached by ClinVar (database versions not stated): gnomAD exomes below 0.00001.
gnomAD v4.1: 1 of 1,613,124 alleles (0.000062%); highest among the groups gnomAD compares: Non-Finnish European, 0.000085%; no homozygotes.

Submission:

GeneDx
Classification: Uncertain significance. Last evaluated: 2022-12-15. Review status: criteria provided, single submitter. Criteria: GeneDx Variant Classification Process June 2021. Collection method: clinical testing. Allele origin: germline. Affected: yes.
Comment: Not observed at significant frequency in large population cohorts (gnomAD); In silico analysis supports that this missense variant does not alter protein structure/function; Has not been previously published as pathogenic or benign to our knowledge